The following is an entry in ClinVar:

ClinVar aggregate classification (germline): Likely pathogenic (1 of 4 stars; one submission).

Submission:

CeGaT Center for Human Genetics Tuebingen
Classification: Likely pathogenic. Last evaluated: 2026-01-01. Review status: criteria provided, single submitter. Criteria: CeGaT Center For Human Genetics Tuebingen Variant Classification Criteria Version 2. Collection method: clinical testing. Allele origin: germline. Affected: yes. Observed: 1 variant allele.
Comment: PARS2: PVS1:Strong, PM2

NM_152268.4(PARS2):c.661dup (p.Gln221fs)

Gene: PARS2 (prolyl-tRNA synthetase 2, mitochondrial; minus strand). Cytogenetic location: 1p32.3.
Variant type: Duplication.
Coding change: c.661dup on transcript NM_152268.4 (MANE Select); coding-DNA position 661, one base duplicated (C; older notation c.661dupC).
Protein change: p.Gln221fs; shifts the reading frame from glutamine 221.
Molecular consequence: frameshift variant.
Genome position (GRCh38, 1-based): chr1:54,758,501, G duplicated on the plus strand (C on the coding strand, the reverse complement: PARS2 is on the minus strand). VCF-style (leftmost placement, unchanged base first): chr1-54758500-T-TG. GRCh37 (hg19) VCF-style: chr1-55224173-T-TG.
Other names: short protein forms Q221fs.
Identifiers: ClinVar variation 4823010 (VCV004823010.4).